The following is an entry in ClinVar:

NM_015466.4(PTPN23):c.3831C>G (p.Val1277=)

Gene: PTPN23 (protein tyrosine phosphatase non-receptor type 23; plus strand). Cytogenetic location: 3p21.31.
Variant type: single nucleotide variant.
Coding change: c.3831C>G on transcript NM_015466.4 (MANE Select); coding-DNA position 3831, C replaced by G.
Protein change: p.Val1277=; no amino-acid change (valine 1277 retained).
Molecular consequence: synonymous variant.
Genome position (GRCh38, 1-based): chr3:47,411,629, C>G. VCF-style: chr3-47411629-C-G. GRCh37 (hg19) VCF-style: chr3-47453119-C-G.
Other names: c.3453C>G, p.Val1151= (NM_001304482.2).
Identifiers: ClinVar variation 2583012 (VCV002583012.25), dbSNP rs2546254861, ClinGen allele CA433605594.

ClinVar aggregate classification (germline): Likely benign (1 of 4 stars; one submission).

Submission:

CeGaT Center for Human Genetics Tuebingen
Classification: Likely benign. Last evaluated: 2023-10-01. Review status: criteria provided, single submitter. Criteria: CeGaT Center For Human Genetics Tuebingen Variant Classification Criteria Version 2. Collection method: clinical testing. Allele origin: germline. Affected: yes. Observed: 1 variant allele.
Comment: PTPN23: PM2:Supporting, BP4, BP7